The following is an entry in ClinVar:

NM_024426.6(WT1):c.956C>A (p.Thr319Asn)

Gene: WT1 (WT1 transcription factor; minus strand). Cytogenetic location: 11p13.
Variant type: single nucleotide variant.
Coding change: c.956C>A on transcript NM_024426.6 (MANE Select); coding-DNA position 956, C replaced by A.
Protein change: p.Thr319Asn; replaces threonine 319 with asparagine.
Molecular consequence: missense variant. On other transcripts: non-coding transcript variant (1).
Genome position (GRCh38, 1-based): chr11:32,417,586, G>T on the plus strand (C>A on the coding strand, the complement: WT1 is on the minus strand). VCF-style: chr11-32417586-G-T. GRCh37 (hg19) VCF-style: chr11-32439132-G-T.
Other names: c.956C>A, p.Thr319Asn (NM_000378.6, NM_001407044.1, NM_001407045.1 and 4 more transcripts); c.305C>A, p.Thr102Asn (NM_001198551.2, NM_001198552.2); c.833C>A, p.Thr278Asn (NM_001407047.1, NM_001407050.1); c.194C>A, p.Thr65Asn (NM_001407051.1); c.941C>A, p.Thr314Asn (NM_024425.2); short protein forms T102N, T319N, T278N, T65N, T314N.
Identifiers: ClinVar variation 847109 (VCV000847109.13), dbSNP rs372630828, ClinGen allele CA219496195.
Genomic context (GRCh38, chr11:32,417,586, plus strand): 5'-CAAACAGGTATAAGTTACTGTGGAAAGGCAATGGAATAGAGAAAACCTTACCCCTTTAAG[G>T]TGGCTCCTAAGTTCATCTGATTCCAGGTCATGCATTCAAGCTGGGATGTCATTTGGTATA-3'
Protein context (NP_077744.4, residues 309-329): MTWNQMNLGA[Thr319Asn]LKGVAAGSSS

ClinVar aggregate classification (germline): Uncertain significance. Review status: criteria provided, multiple submitters, no conflicts (2 of 4 stars). 3 submissions from 3 submitters: Uncertain significance (3). Last evaluated 2025-12-27.

Conditions:
Wilms tumor 1 (WT1). Also called: Wilms tumor, somatic. Identifiers: Orphanet 654, MedGen CN033288, MONDO:0008679, OMIM 194070.
11p partial monosomy syndrome (WAGR). Also called: CHROMOSOME 11p13 DELETION SYNDROME; WAGR syndrome; WAGR Spectrum Disorder; WAGR Complex. Identifiers: Orphanet 893, MedGen C0206115, MONDO:0008681, OMIM 194072.
Drash syndrome (DDS). Also called: NEPHROPATHY, WILMS TUMOR, AND GENITAL ANOMALIES; WILMS TUMOR AND PSEUDO- OR TRUE HERMAPHRODITISM. Identifiers: Orphanet 220, MedGen C0950121, MONDO:0008682, OMIM 194080.
Frasier syndrome. Identifiers: Orphanet 347, MedGen C0950122, MeSH D052159, MONDO:0007635, OMIM 136680.
Inborn genetic diseases. Identifiers: MedGen C0950123, MeSH D030342.

Allele frequency attached by ClinVar (database versions not stated): gnomAD exomes below 0.00001.
gnomAD v4.1: 3 of 1,613,870 alleles (0.00019%); highest among the groups gnomAD compares: Non-Finnish European, 0.000085%; no homozygotes.

Submissions (3):

Ambry Genetics
Classification: Uncertain significance for Inborn genetic diseases. Last evaluated: 2025-12-27. Review status: criteria provided, single submitter. Criteria: Ambry Variant Classification Scheme 2023. Collection method: clinical testing. Allele origin: germline.
Comment: The p.T314N variant (also known as c.941C>A), located in coding exon 4 of the WT1 gene, results from a C to A substitution at nucleotide position 941. The threonine at codon 314 is replaced by asparagine, an amino acid with similar properties. This amino acid position is conserved. In addition, the in silico prediction for this alteration is inconclusive. Based on the available evidence, the clinical significance of this variant remains unclear.

GeneDx
Classification: Uncertain significance. Last evaluated: 2025-02-06. Review status: criteria provided, single submitter. Criteria: GeneDx Variant Classification Process June 2021. Collection method: clinical testing. Allele origin: germline. Affected: yes.
Comment: Not observed at significant frequency in large population cohorts (gnomAD); In silico analysis supports that this missense variant has a deleterious effect on protein structure/function; Has not been previously published as pathogenic or benign to our knowledge

Labcorp Genetics (formerly Invitae), Labcorp
Classification: Uncertain significance for Wilms tumor 1; Drash syndrome; 11p partial monosomy syndrome; Frasier syndrome. Last evaluated: 2023-03-02. Review status: criteria provided, single submitter. Criteria: Invitae Variant Classification Sherloc (09022015). Collection method: clinical testing. Allele origin: germline.
Comment: This variant is present in population databases (rs372630828, gnomAD 0.0009%). This sequence change replaces threonine, which is neutral and polar, with asparagine, which is neutral and polar, at codon 314 of the WT1 protein (p.Thr314Asn). This variant has not been reported in the literature in individuals affected with WT1-related conditions. In summary, the available evidence is currently insufficient to determine the role of this variant in disease. Therefore, it has been classified as a Variant of Uncertain Significance. An algorithm developed to predict the effect of missense changes on protein structure and function (PolyPhen-2) suggests that this variant is likely to be disruptive. ClinVar contains an entry for this variant (Variation ID: 847109).